The following is an entry in ClinVar:

ClinVar aggregate classification (germline): Pathogenic (1 of 4 stars; one submission).

Submission:

GeneDx
Classification: Pathogenic. Last evaluated: 2018-05-04. Review status: criteria provided, single submitter. Criteria: GeneDx Variant Classification (06012015). Collection method: clinical testing. Allele origin: germline. Affected: yes.
Comment: The c.1219_1235dup17 variant in the WAS gene has been reported previously in association with Wiskott-Aldrich syndrome (Kolluri et al., 1995). The duplication causes a frameshift starting with codon Proline 413, changes this amino acid to a Glycine residue and creates a premature Stop codon at position 38 of the new reading frame, denoted p.Pro413GlyfsX38. This variant is predicted to cause loss of normal protein function either through protein truncation or nonsense-mediated mRNA decay. Therefore, we interpret this variant as pathogenic.

NM_000377.3(WAS):c.1219_1235dup (p.Pro413fs)

Gene: WAS (WASP actin nucleation promoting factor; plus strand). Cytogenetic location: Xp11.23.
Variant type: Duplication.
Coding change: c.1219_1235dup on transcript NM_000377.3 (MANE Select); coding-DNA positions 1219 to 1235, 17 bases duplicated (GGGAATGGACCAGCCCC).
Protein change: p.Pro413fs; shifts the reading frame from proline 413.
Molecular consequence: frameshift variant.
Genome position (GRCh38, 1-based): chrX:48,688,947-48,688,963, GGGAATGGACCAGCCCC duplicated; duplicating any 17 consecutive bases within chrX:48,688,945-48,688,963 gives the same sequence; the c. name uses the placement nearest the transcript's 3' end. VCF-style (leftmost placement, unchanged base first): chrX-48688944-T-TCCGGGAATGGACCAGCC. GRCh37 (hg19) VCF-style: chrX-48547333-T-TCCGGGAATGGACCAGCC.
Other names: short protein forms P413fs.
Identifiers: ClinVar variation 418540 (VCV000418540.2), dbSNP rs1064793292, ClinGen allele CA16621419.